The following is an entry in ClinVar:

ClinVar aggregate classification (germline): Uncertain significance (1 of 4 stars; one submission).

Allele frequency attached by ClinVar (database versions not stated): gnomAD exomes below 0.00001.
gnomAD v4.1: 1 of 1,613,820 alleles (0.000062%); highest among the groups gnomAD compares: Non-Finnish European, 0.000085%; no homozygotes.

Submission:

Labcorp Genetics (formerly Invitae), Labcorp
Classification: Uncertain significance. Last evaluated: 2023-12-19. Review status: criteria provided, single submitter. Criteria: Invitae Variant Classification Sherloc (09022015). Collection method: clinical testing. Allele origin: germline.
Comment: This sequence change replaces alanine, which is neutral and non-polar, with glutamic acid, which is acidic and polar, at codon 1456 of the ITPR1 protein (p.Ala1456Glu). This variant is not present in population databases (gnomAD no frequency). This variant has not been reported in the literature in individuals affected with ITPR1-related conditions. Advanced modeling of protein sequence and biophysical properties (such as structural, functional, and spatial information, amino acid conservation, physicochemical variation, residue mobility, and thermodynamic stability) has been performed at Invitae for this missense variant, however the output from this modeling did not meet the statistical confidence thresholds required to predict the impact of this variant on ITPR1 protein function. In summary, the available evidence is currently insufficient to determine the role of this variant in disease. Therefore, it has been classified as a Variant of Uncertain Significance.

NM_001378452.1(ITPR1):c.4439C>A (p.Ala1480Glu)

Gene: ITPR1 (inositol 1,4,5-trisphosphate receptor type 1; plus strand). Cytogenetic location: 3p26.1.
Variant type: single nucleotide variant.
Coding change: c.4439C>A on transcript NM_001378452.1 (MANE Select); coding-DNA position 4439, C replaced by A.
Protein change: p.Ala1480Glu; replaces alanine 1480 with glutamic acid.
Molecular consequence: missense variant.
Genome position (GRCh38, 1-based): chr3:4,699,844, C>A. VCF-style: chr3-4699844-C-A. GRCh37 (hg19) VCF-style: chr3-4741528-C-A.
Other names: c.4412C>A, p.Ala1471Glu (NM_001099952.4); c.4394C>A, p.Ala1465Glu (NM_001168272.2); c.4367C>A, p.Ala1456Glu (NM_002222.7); short protein forms A1465E, A1471E, A1480E, A1456E.
Identifiers: ClinVar variation 2704300 (VCV002704300.3), dbSNP rs2469845218, ClinGen allele CA351633085.